The following is an entry in ClinVar:

ClinVar aggregate classification (germline): Uncertain significance (1 of 4 stars; one submission).

Submission:

Dasa
Classification: Uncertain significance. Last evaluated: 2026-01-19. Review status: criteria provided, single submitter. Criteria: DASA Assertion Criteria. Collection method: clinical testing. Allele origin: germline.
Comment: NM_001042492.3(NF1):c.7970+49T>A is an intronic variant. This variant is rare in population databases. The currently available literature and clinical evidence are not sufficient to establish a definitive association between this variant and the reported condition. Therefore, this variant is classified as a variant of uncertain significance.

NM_001042492.3(NF1):c.7970+49T>A

Gene: NF1 (neurofibromin 1; plus strand). Cytogenetic location: 17q11.2.
Variant type: single nucleotide variant.
Coding change: c.7970+49T>A on transcript NM_001042492.3 (MANE Select); 49 bases into the intron after coding-DNA position 7970, T replaced by A.
Molecular consequence: intron variant.
Genome position (GRCh38, 1-based): chr17:31,357,418, T>A. VCF-style: chr17-31357418-T-A. GRCh37 (hg19) VCF-style: chr17-29684436-T-A.
Other names: c.7907+49T>A (NM_000267.4).
Identifiers: ClinVar variation 4886043 (VCV004886043.2).